The following is an entry in ClinVar:

ClinVar aggregate classification (germline): Benign/Likely benign. Review status: criteria provided, multiple submitters, no conflicts (2 of 4 stars). 4 submissions from 4 submitters: Benign (2); Likely benign (2). Last evaluated 2026-07-09.

Conditions:
Hereditary cancer-predisposing syndrome. Also called: Hereditary Cancer Syndrome; Hereditary neoplastic syndrome; Neoplastic Syndromes, Hereditary; Tumor predisposition. Identifiers: Orphanet 140162, MedGen C0027672, MeSH D009386, MONDO:0015356.
Rhabdoid tumor predisposition syndrome 2 (RTPS2). Identifiers: Orphanet 231108, Orphanet 69077, MedGen C2750074, MONDO:0013224, OMIM 613325.

Allele frequency attached by ClinVar (database versions not stated): gnomAD 0.00002 and 0.00001; gnomAD exomes 0.00003; TOPMed 0.00005; 1000 Genomes Project 0.00020; 1000 Genomes Project 30x 0.00031.
gnomAD v4.1: 19 of 1,614,142 alleles (0.0012%); highest among the groups gnomAD compares: Admixed American, 0.03%; 1 homozygote.

Submissions (4):

Myriad Genetics, Inc.
Classification: Benign for Rhabdoid tumor predisposition syndrome 2. Last evaluated: 2026-07-09. Review status: criteria provided, single submitter. Criteria: Myriad Autosomal Dominant, Autosomal Recessive and X-Linked Classification Criteria (2023). Collection method: clinical testing. Allele origin: unknown.
Comment: This variant is considered benign. This variant is a silent/synonymous amino acid change and it is not expected to impact splicing.

Labcorp Genetics (formerly Invitae), Labcorp
Classification: Likely benign for Rhabdoid tumor predisposition syndrome 2. Last evaluated: 2026-01-10. Review status: criteria provided, single submitter. Criteria: Invitae Variant Classification Sherloc (09022015). Collection method: clinical testing. Allele origin: germline.

Sema4
Classification: Benign for Hereditary cancer-predisposing syndrome. Last evaluated: 2021-11-27. Review status: criteria provided, single submitter. Criteria: Sema4 Curation Guidelines. Collection method: curation. Allele origin: germline.

Ambry Genetics
Classification: Likely benign for Hereditary cancer-predisposing syndrome. Last evaluated: 2015-09-15. Review status: criteria provided, single submitter. Criteria: Ambry Variant Classification Scheme 2023. Collection method: clinical testing. Allele origin: germline.

NM_003072.5(SMARCA4):c.1155T>G (p.Leu385=)

Gene: SMARCA4 (SWI/SNF related BAF chromatin remodeling complex subunit ATPase 4; plus strand). Cytogenetic location: 19p13.2.
Variant type: single nucleotide variant.
Coding change: c.1155T>G on transcript NM_003072.5 (MANE Select); coding-DNA position 1155, T replaced by G.
Protein change: p.Leu385=; no amino-acid change (leucine 385 retained).
Molecular consequence: synonymous variant. On other transcripts: non-coding transcript variant (1).
Genome position (GRCh38, 1-based): chr19:10,989,353, T>G. VCF-style: chr19-10989353-T-G. GRCh37 (hg19) VCF-style: chr19-11100029-T-G.
Other names: c.1155T>G, p.Leu385= (NM_001128844.3, NM_001128845.2, NM_001128846.2 and 5 more transcripts).
Identifiers: ClinVar variation 470232 (VCV000470232.18), dbSNP rs201099398, ClinGen allele CA9203709.